The following is an entry in ClinVar:

ClinVar aggregate classification (germline): Uncertain significance (1 of 4 stars; one submission).

Allele frequency attached by ClinVar (database versions not stated): TOPMed below 0.00001; ExAC 0.00001.

Submission:

Labcorp Genetics (formerly Invitae), Labcorp
Classification: Uncertain significance. Last evaluated: 2025-07-28. Review status: criteria provided, single submitter. Criteria: Invitae Variant Classification Sherloc (09022015). Collection method: clinical testing. Allele origin: germline.
Comment: This sequence change replaces arginine, which is basic and polar, with cysteine, which is neutral and slightly polar, at codon 39 of the SMOC1 protein (p.Arg39Cys). This variant is present in population databases (rs767503744, gnomAD 0.009%). This variant has not been reported in the literature in individuals affected with SMOC1-related conditions. ClinVar contains an entry for this variant (Variation ID: 2955818). Invitae Evidence Modeling of protein sequence and biophysical properties (such as structural, functional, and spatial information, amino acid conservation, physicochemical variation, residue mobility, and thermodynamic stability) indicates that this missense variant is not expected to disrupt SMOC1 protein function with a negative predictive value of 80%. Algorithms developed to predict the effect of sequence changes on RNA splicing suggest that this variant may disrupt the consensus splice site. In summary, the available evidence is currently insufficient to determine the role of this variant in disease. Therefore, it has been classified as a Variant of Uncertain Significance.

NM_001034852.3(SMOC1):c.115C>T (p.Arg39Cys)

Gene: SMOC1 (SPARC related modular calcium binding 1; plus strand). Cytogenetic location: 14q24.2.
Variant type: single nucleotide variant.
Coding change: c.115C>T on transcript NM_001034852.3 (MANE Select); coding-DNA position 115, C replaced by T.
Protein change: p.Arg39Cys; replaces arginine 39 with cysteine.
Molecular consequence: missense variant.
Genome position (GRCh38, 1-based): chr14:69,952,153, C>T. VCF-style: chr14-69952153-C-T. GRCh37 (hg19) VCF-style: chr14-70418870-C-T.
Other names: c.115C>T, p.Arg39Cys (NM_001425244.1, NM_001425245.1, NM_022137.6); short protein forms R39C.
Identifiers: ClinVar variation 2955818 (VCV002955818.3), dbSNP rs767503744, ClinGen allele CA7246360.
Genomic context (GRCh38, chr14:69,952,153, plus strand): 5'-CTTGCAAAAGTAACCTCTGTACCCTTTCACTTTTTTCCAACCTAGTTTCTAATAAGTGAC[C>T]GTGACCCACAGTGCAACCTCCACTGCTCCAGGACTCAACCCAAACCCATCTGTGCCTCTG-3'
Protein context (NP_001030024.1, residues 29-49): TTGPRFLISD[Arg39Cys]DPQCNLHCSR